The following is an entry in ClinVar:

ClinVar aggregate classification (germline): Uncertain significance. Review status: criteria provided, multiple submitters, no conflicts (2 of 4 stars). 2 submissions from 2 submitters: Uncertain significance (2). Last evaluated 2023-09-05.

Submissions (2):

GeneDx
Classification: Uncertain significance. Last evaluated: 2023-09-05. Review status: criteria provided, single submitter. Criteria: GeneDx Variant Classification Process June 2021. Collection method: clinical testing. Allele origin: germline. Affected: yes.
Comment: Frameshift variant predicted to result in protein truncation as the last 118 amino acids are replaced with 34 different amino acids, although loss-of-function variants have not been reported downstream of this position in the protein; Has not been previously published as pathogenic or benign to our knowledge

Labcorp Genetics (formerly Invitae), Labcorp
Classification: Uncertain significance. Last evaluated: 2023-04-24. Review status: criteria provided, single submitter. Criteria: Invitae Variant Classification Sherloc (09022015). Collection method: clinical testing. Allele origin: germline.
Comment: In summary, the available evidence is currently insufficient to determine the role of this variant in disease. Therefore, it has been classified as a Variant of Uncertain Significance. ClinVar contains an entry for this variant (Variation ID: 1704881). This variant has not been reported in the literature in individuals affected with KCNQ5-related conditions. This variant is present in population databases (no rsID available, gnomAD 0.0009%). This sequence change creates a premature translational stop signal (p.Leu834Valfs*35) in the KCNQ5 gene. While this is not anticipated to result in nonsense mediated decay, it is expected to disrupt the last 118 amino acid(s) of the KCNQ5 protein.

NM_019842.4(KCNQ5):c.2443_2444del (p.Leu815fs)

Gene: KCNQ5 (potassium voltage-gated channel subfamily Q member 5; plus strand). Cytogenetic location: 6q13.
Variant type: Microsatellite.
Coding change: c.2443_2444del on transcript NM_019842.4 (MANE Select); coding-DNA positions 2443 to 2444, 2 bases deleted (CT; older notation c.2443_2444delCT).
Protein change: p.Leu815fs; shifts the reading frame from leucine 815.
Molecular consequence: frameshift variant.
Genome position (GRCh38, 1-based): chr6:73,195,058-73,195,059, CT deleted; deleting any 2 consecutive bases within chr6:73,195,056-73,195,059 gives the same sequence; the c. name uses the placement nearest the transcript's 3' end. VCF-style (leftmost placement, unchanged base first): chr6-73195055-ACT-A. GRCh37 (hg19) VCF-style: chr6-73904778-ACT-A.
Other names: c.2416_2417del, p.Leu806fs (NM_001160130.2); c.2473_2474del, p.Leu825fs (NM_001160132.2); c.2500_2501del, p.Leu834fs (NM_001160133.2); c.2113_2114del, p.Leu705fs (NM_001160134.2); short protein forms L705fs, L806fs, L815fs, L825fs, L834fs.
Identifiers: ClinVar variation 1704881 (VCV001704881.7), dbSNP rs1043911490, ClinGen allele CA140918129.